The following is an entry in ClinVar:

ClinVar aggregate classification (germline): Uncertain significance (1 of 4 stars; one submission).

Allele frequency attached by ClinVar (database versions not stated): gnomAD exomes below 0.00001 and 0.00001; gnomAD 0.00001; TOPMed 0.00001; 1000 Genomes Project 0.00020; 1000 Genomes Project 30x 0.00031.
gnomAD v4.1: 4 of 1,575,334 alleles (0.00025%); highest among the groups gnomAD compares: African/African-American, 0.0054%; no homozygotes.

Submission:

Labcorp Genetics (formerly Invitae), Labcorp
Classification: Uncertain significance. Last evaluated: 2023-08-10. Review status: criteria provided, single submitter. Criteria: Invitae Variant Classification Sherloc (09022015). Collection method: clinical testing. Allele origin: germline.
Comment: In summary, the available evidence is currently insufficient to determine the role of this variant in disease. Therefore, it has been classified as a Variant of Uncertain Significance. Variants that disrupt the consensus splice site are a relatively common cause of aberrant splicing (PMID: 17576681, 9536098). Algorithms developed to predict the effect of sequence changes on RNA splicing suggest that this variant is not likely to affect RNA splicing. ClinVar contains an entry for this variant (Variation ID: 1376521). This variant has not been reported in the literature in individuals affected with GFAP-related conditions. The frequency data for this variant in the population databases is considered unreliable, as metrics indicate poor data quality at this position in the gnomAD database. This sequence change falls in intron 7 of the GFAP gene. It does not directly change the encoded amino acid sequence of the GFAP protein. It affects a nucleotide within the consensus splice site.

Literature cited by the submitters: PubMed 17576681; PubMed 9536098.

NM_002055.5(GFAP):c.1171+4A>G

Gene: GFAP (glial fibrillary acidic protein; minus strand). Cytogenetic location: 17q21.31.
Variant type: single nucleotide variant.
Coding change: c.1171+4A>G on transcript NM_002055.5 (MANE Select); 4 bases into the intron after coding-DNA position 1171, A replaced by G.
Molecular consequence: intron variant. On other transcripts: missense variant (1).
Genome position (GRCh38, 1-based): chr17:44,910,611, T>C on the plus strand (A>G on the coding strand, the complement: GFAP is on the minus strand). VCF-style: chr17-44910611-T-C. GRCh37 (hg19) VCF-style: chr17-42987979-T-C.
Other names: c.1175A>G, p.Gln392Arg (NM_001242376.3); c.1171+4A>G (NM_001363846.2, NM_001131019.3); short protein forms Q392R.
Identifiers: ClinVar variation 1376521 (VCV001376521.6), dbSNP rs73986421, ClinGen allele CA291027719.